The following is an entry in ClinVar:

ClinVar aggregate classification (germline): Pathogenic. Review status: criteria provided, multiple submitters, no conflicts (2 of 4 stars). 6 submissions from 6 submitters: Pathogenic (5). 1 of the submissions does not count toward it. Last evaluated 2026-06-09.

Conditions:
Cardiovascular phenotype. Identifiers: MedGen CN230736.
Alstrom syndrome (ALMS). Identifiers: Orphanet 64, MedGen C0268425, MONDO:0008763, OMIM 203800.

Submissions (6):

Ambry Genetics
Classification: Pathogenic for Cardiovascular phenotype. Last evaluated: 2026-06-09. Review status: criteria provided, single submitter. Criteria: Ambry Variant Classification Scheme 2023. Collection method: clinical testing. Allele origin: germline.
Comment: The c.2141_2142delCT pathogenic mutation, located in coding exon 8 of the ALMS1 gene, results from a deletion of two nucleotides at nucleotide positions 2141 to 2142, causing a translational frameshift with a predicted alternate stop codon (p.S714Yfs*6). This variant was reported in an individual with Alstrom syndrome who also carried a balanced reciprocal chromosome translocation that disrupted the ALMS1 gene (Hearn T et al. Nat Genet, 2002 May;31:79-83). This variant is considered to be rare based on population cohorts in the Genome Aggregation Database (gnomAD). This alteration is expected to result in loss of function by premature protein truncation or nonsense-mediated mRNA decay. As such, this alteration is interpreted as a disease-causing mutation.

Labcorp Genetics (formerly Invitae), Labcorp
Classification: Pathogenic for Alstrom syndrome. Last evaluated: 2024-02-15. Review status: criteria provided, single submitter. Criteria: Invitae Variant Classification Sherloc (09022015). Collection method: clinical testing. Allele origin: germline.
Comment: This sequence change creates a premature translational stop signal (p.Ser714Tyrfs*6) in the ALMS1 gene. It is expected to result in an absent or disrupted protein product. Loss-of-function variants in ALMS1 are known to be pathogenic (PMID: 17594715). This variant is present in population databases (rs745574180, gnomAD 0.002%). This premature translational stop signal has been observed in individual(s) with Alstrom syndrome (PMID: 11941370). ClinVar contains an entry for this variant (Variation ID: 3972). For these reasons, this variant has been classified as Pathogenic.

Women's Health and Genetics/Laboratory Corporation of America, LabCorp
Classification: Pathogenic for Alstrom syndrome. Last evaluated: 2022-08-23. Review status: criteria provided, single submitter. Criteria: LabCorp Variant Classification Summary - May 2015. Collection method: clinical testing. Allele origin: germline.
Comment: Variant summary: ALMS1 c.2135_2136delCT/p.Ser712TyrfsX6 (also known as c.2141_2142delCT/p.Ser714fs in RefSeq) results in a premature termination codon, predicted to cause a truncation of the encoded protein or absence of the protein due to nonsense mediated decay, which are commonly known mechanisms for disease. Truncations downstream of this position have been classified as pathogenic by our laboratory. The variant allele was found at a frequency of 8e-06 in 248708 control chromosomes. c.2135_2136delCT has been reported in the literature in individuals affected with Alstrom Syndrome. Two clinical diagnostic laboratories have submitted clinical-significance assessments for this variant to ClinVar after 2014 without evidence for independent evaluation. Both laboratories classified the variant as pathogenic. Based on the evidence outlined above, the variant was classified as pathogenic.

GeneDx
Classification: Pathogenic. Last evaluated: 2022-02-04. Review status: criteria provided, single submitter. Criteria: GeneDx Variant Classification Process June 2021. Collection method: clinical testing. Allele origin: germline. Affected: yes.
Comment: Frameshift variant predicted to result in protein truncation or nonsense mediated decay in a gene for which loss-of-function is a known mechanism of disease; Not observed at significant frequency in large population cohorts (gnomAD); Reported in ClinVar as pathogenic (ClinVar Variant ID# 3972; ClinVar); This variant is associated with the following publications: (PMID: 11941370, 17594715, 27535533)

Fulgent Genetics
Classification: Pathogenic for Alstrom syndrome. Last evaluated: 2021-10-12. Review status: criteria provided, single submitter. Criteria: ACMG Guidelines, 2015. Collection method: clinical testing. Allele origin: unknown.

OMIM
Classification: Pathogenic for ALSTROM SYNDROME. Last evaluated: 2002-05-01. Review status: no assertion criteria provided. Collection method: literature only. Allele origin: germline. Not counted in ClinVar's aggregate classification.

Literature cited by the submitters: PubMed 11941370 (cited by 4 submitters); PubMed 17594715 (cited by Labcorp Genetics (formerly Invitae), Labcorp).

NM_001378454.1(ALMS1):c.2138_2139del (p.Ser713fs)

Gene: ALMS1 (ALMS1 centrosome and basal body associated protein; plus strand). Cytogenetic location: 2p13.1.
Variant type: Microsatellite.
Coding change: c.2138_2139del on transcript NM_001378454.1 (MANE Select); coding-DNA positions 2138 to 2139, 2 bases deleted (CT; older notation c.2138_2139delCT).
Protein change: p.Ser713fs; shifts the reading frame from serine 713.
Molecular consequence: frameshift variant.
Genome position (GRCh38, 1-based): chr2:73,448,665-73,448,666, CT deleted; deleting any 2 consecutive bases within chr2:73,448,661-73,448,666 gives the same sequence; the c. name uses the placement nearest the transcript's 3' end. VCF-style (leftmost placement, unchanged base first): chr2-73448660-ACT-A. GRCh37 (hg19) VCF-style: chr2-73675787-ACT-A.
Other names: c.2141_2142delCT (NM_015120.4); c.2141_2142del, p.Ser714fs (NM_015120.4); short protein forms S714fs, S713fs.
Identifiers: ClinVar variation 3972 (VCV000003972.14), dbSNP rs387906313, ClinGen allele CA252954.